The following is an entry in ClinVar:

ClinVar aggregate classification (germline): Pathogenic. Review status: criteria provided, multiple submitters, no conflicts (2 of 4 stars). 30 submissions from 29 submitters: Pathogenic (22). 8 of the submissions do not count toward it. Last evaluated 2026-08-25.

Conditions:
PIGL-related disorder. Also called: PIGL-related condition.
Inborn genetic diseases. Identifiers: MedGen C0950123, MeSH D030342.
CHIME syndrome (CHIME). Also called: GLYCOSYLPHOSPHATIDYLINOSITOL BIOSYNTHESIS DEFECT 5; COLOBOMA, CONGENITAL HEART DISEASE, ICHTHYOSIFORM DERMATOSIS, IMPAIRED INTELLECTUAL DEVELOPMENT, AND EAR ANOMALIES SYNDROME. Identifiers: Orphanet 3474, MedGen C1848392, MONDO:0010221, OMIM 280000.
Low-set ears. Identifiers: MedGen C0239234, HP:0000369.
Hypertelorism. Identifiers: MedGen C0020534, OMIM 145400, HP:0000316.
Bilateral cleft lip and palate. Identifiers: MedGen C1398522.
Camptodactyly of finger. Identifiers: MedGen C0409348, HP:0100490.
Postaxial hand polydactyly. Also called: Postaxial polydactyly of fingers. Identifiers: MedGen C0431904, MONDO:0017426, HP:0001162.
Premature birth. Identifiers: MedGen C0151526, HP:0001622.
Wide intermamillary distance. Identifiers: MedGen C1827524, HP:0006610.
Hypoplasia of scrotum. Identifiers: MedGen C0431659.
Intellectual disability. Also called: Intellectual developmental disorder; Intellectual functioning disability; intellectual disabilities. Identifiers: MedGen C3714756, MeSH D008607, MONDO:0001071, HP:0001249.

Allele frequency attached by ClinVar (database versions not stated): gnomAD exomes 0.00041; 1000 Genomes Project 0.00060; 1000 Genomes Project 30x 0.00047; gnomAD 0.00061 and 0.00062; TOPMed 0.00049; ExAC 0.00033; ESP Exome Variant Server 0.00062.
gnomAD v4.1: 1,186 of 1,605,302 alleles (0.074%); highest among the groups gnomAD compares: Non-Finnish European, 0.091%; no homozygotes.

Submissions 1 to 10 of 30:

Ambry Genetics
Classification: Pathogenic for Inborn genetic diseases. Last evaluated: 2026-08-25. Review status: criteria provided, single submitter. Criteria: Ambry Variant Classification Scheme 2023. Collection method: clinical testing. Allele origin: germline.
Comment: The c.500T>C (p.L167P) alteration is located in exon 5 (coding exon 5) of the PIGL gene. This alteration results from a T to C substitution at nucleotide position 500, causing the leucine (L) at amino acid position 167 to be replaced by a proline (P). Based on data from the Genome Aggregation Database (gnomAD), the PIGL c.500T>C alteration was observed in 0.05% (130/282820) of total alleles studied, with a frequency of 0.07% (94/129144) in the European (non-Finnish) subpopulation. This variant has been identified in the homozygous state and/or in conjunction with other PIGL variant(s) in individual(s) with features consistent with PIGL-related glycosylphosphatidylinositol deficiency; in at least one instance, the variants were identified in trans (Ng, 2012; Knight Johnson, 2017; Ceroni, 2018; Onoufriadis, 2020; Arany, 2025; Ambry internal data). This amino acid position is highly conserved in available vertebrate species. This alteration is predicted to be deleterious by in silico analysis. Based on the available evidence, this alteration is classified as pathogenic.

Dasa
Classification: Pathogenic. Last evaluated: 2026-01-29. Review status: criteria provided, single submitter. Criteria: DASA Assertion Criteria. Collection method: clinical testing. Allele origin: germline.
Comment: NM_004278.4(PIGL):c.500T>C (p.Leu167Pro) is a missense variant that results in the substitution of leucine with proline. This variant has been recurrently observed in individuals with related phenotype (PMID: 22444671; PMID: 28371479). Segregation evidence has been reported in affected families. Multiple computational predictions support a deleterious effect on the gene or gene product. The variant is present at low frequency in population datasets. Based on the available data, this variant is classified as pathogenic.

Labcorp Genetics (formerly Invitae), Labcorp
Classification: Pathogenic. Last evaluated: 2026-01-18. Review status: criteria provided, single submitter. Criteria: Invitae Variant Classification Sherloc (09022015). Collection method: clinical testing. Allele origin: germline.
Comment: This sequence change replaces leucine, which is neutral and non-polar, with proline, which is neutral and non-polar, at codon 167 of the PIGL protein (p.Leu167Pro). This variant is present in population databases (rs145303331, gnomAD 0.07%), and has an allele count higher than expected for a pathogenic variant. This missense change has been observed in individual(s) with CHIME syndrome (PMID: 22444671, 28371479). In at least one individual the data is consistent with being in trans (on the opposite chromosome) from a pathogenic variant. ClinVar contains an entry for this variant (Variation ID: 30544). Invitae Evidence Modeling of protein sequence and biophysical properties (such as structural, functional, and spatial information, amino acid conservation, physicochemical variation, residue mobility, and thermodynamic stability) indicates that this missense variant is expected to disrupt PIGL protein function with a positive predictive value of 80%. For these reasons, this variant has been classified as Pathogenic.

PreventionGenetics, part of Exact Sciences
Classification: Pathogenic for PIGL-related condition. Last evaluated: 2025-12-03. Review status: criteria provided, single submitter. Criteria: ACMG Guidelines, 2015. Collection method: clinical testing. Allele origin: germline.
Comment: The PIGL c.500T>C variant is predicted to result in the amino acid substitution p.Leu167Pro. This variant has been reported many times as one of two pathogenic variants in individuals with CHIME syndrome (see for example Ng et al. 2012. PubMed ID: 22444671; Knight Johnson et al. 2017. PubMed ID: 28371479). This variant is reported in 0.073% of alleles in individuals of European (Non-Finnish) descent in gnomAD. This variant has been classified as pathogenic by multiple independent submitters to the ClinVar database. This variant is interpreted as pathogenic.

Undiagnosed Diseases Network, NIH
Classification: Pathogenic for CHIME syndrome. Last evaluated: 2025-09-26. Review status: criteria provided, single submitter. Criteria: ACMG Guidelines, 2015. Collection method: clinical testing. Allele origin: maternal. Affected: yes. Observed: 1 variant allele, 1 compound heterozygote. Study: Undiagnosed Diseases Network (NIH), UDN.

First Genomix Gene Laboratory, Genetic Diagnostics Department
Classification: Pathogenic for CHIME syndrome. Last evaluated: 2025-03-19. Review status: criteria provided, single submitter. Criteria: ACMG Guidelines, 2015. Collection method: clinical testing. Allele origin: germline. Inheritance: Autosomal recessive inheritance. Affected: no. Observed: 1 variant allele.

Laboratory of Genetics, Children's Clinical University Hospital Latvia
Classification: Pathogenic. Last evaluated: 2025-02-16. Review status: criteria provided, single submitter. Criteria: ACMG Guidelines, 2015. Collection method: clinical testing. Allele origin: germline. Affected: yes.

Victorian Clinical Genetics Services, Murdoch Childrens Research Institute
Classification: Pathogenic for CHIME syndrome. Last evaluated: 2024-10-08. Review status: criteria provided, single submitter. Criteria: ACMG Guidelines, 2015. Collection method: clinical testing. Allele origin: germline. Inheritance: Autosomal recessive inheritance. Affected: yes.
Comment: Based on the classification scheme VCGS_Germline_v1.3.4, this variant is classified as Pathogenic. Following criteria are met: 0102 - Loss of function is a known mechanism of disease in this gene and is associated with CHIME syndrome (MIM#280000). (I) 0106 - This gene is associated with autosomal recessive disease. (I) 0200 - Variant is predicted to result in a missense amino acid change from leucine to proline. (I) 0251 - This variant is heterozygous. (I) 0304 - Variant is present in gnomAD <0.01 for a recessive condition (v2: 130 heterozygotes, 0 homozygotes). (SP) 0502 - Missense variant with conflicting in silico predictions and high conservation. (I) 0600 - Variant is located in the annotated PIG-L domain (DECIPHER). (I) 0705 - No comparable missense variants have previous evidence for pathogenicity. (I) 0801 - This variant has strong previous evidence of pathogenicity in unrelated individuals. It has been reported as pathogenic in multiple unrelated individuals with CHIME syndrome (PMID: 22444671). Additionally, it has been reported as pathogenic by multiple clinical testing laboratories (ClinVar). (SP) 1010 - Functional evidence for this variant is inconclusive. A fibroblast cell line from an individual with compound heterozygous variants NM_004278.3:c.427-1G>A and NM_004278.3:c.500T>C showed deficiency in cell surface GPI anchor markers, CD59 and aerolysin (PMID: 22444671). (I) 1201 - Heterozygous variant detected in trans with a second pathogenic heterozygous variant (NM_004278.3:c.427-1G>A) in a recessive disease. (I) Legend: (SP) - Supporting pathogenic, (I) - Information, (SB) - Supporting benign

Blueprint Genetics
Classification: Pathogenic for PIGL-related disorders. Last evaluated: 2024-09-23. Review status: criteria provided, single submitter. Criteria: ACMG Guidelines, 2015. Collection method: clinical testing. Allele origin: germline. Affected: yes. Observed: 5 variant alleles.

Baylor Genetics
Classification: Pathogenic for CHIME syndrome. Last evaluated: 2023-07-04. Review status: criteria provided, single submitter. Criteria: ACMG Guidelines, 2015. Collection method: clinical testing. Allele origin: unknown.

NM_004278.4(PIGL):c.500T>C (p.Leu167Pro)

Gene: PIGL (phosphatidylinositol glycan anchor biosynthesis class L; plus strand). Cytogenetic location: 17p11.2.
Variant type: single nucleotide variant.
Coding change: c.500T>C on transcript NM_004278.4 (MANE Select); coding-DNA position 500, T replaced by C.
Protein change: p.Leu167Pro; replaces leucine 167 with proline.
Molecular consequence: missense variant.
Genome position (GRCh38, 1-based): chr17:16,316,686, T>C. VCF-style: chr17-16316686-T-C. GRCh37 (hg19) VCF-style: chr17-16220000-T-C.
Other names: p.L167P; short protein forms L167P.
Identifiers: ClinVar variation 30544 (VCV000030544.56), dbSNP rs145303331, ClinGen allele CA129322.